The following is an entry in ClinVar:

NM_000228.3(LAMB3):c.2554A>T (p.Met852Leu)

Gene: LAMB3 (laminin subunit beta 3; minus strand). Cytogenetic location: 1q32.2.
Variant type: single nucleotide variant.
Coding change: c.2554A>T on transcript NM_000228.3 (MANE Select); coding-DNA position 2554, A replaced by T.
Protein change: p.Met852Leu; replaces methionine 852 with leucine.
Molecular consequence: missense variant.
Genome position (GRCh38, 1-based): chr1:209,622,984, T>A on the plus strand (A>T on the coding strand, the complement: LAMB3 is on the minus strand). VCF-style: chr1-209622984-T-A. GRCh37 (hg19) VCF-style: chr1-209796329-T-A.
Other names: c.2554A>T, p.Met852Leu (NM_001017402.2, NM_001127641.1); short protein forms M852L.
Identifiers: ClinVar variation 255588 (VCV000255588.22), dbSNP rs12748250, ClinGen allele CA1375209.

ClinVar aggregate classification (germline): Benign. Review status: criteria provided, multiple submitters, no conflicts (2 of 4 stars). 10 submissions from 8 submitters: Benign (10). Last evaluated 2026-02-04.

Conditions:
Amelogenesis imperfecta type 1A. Also called: AMELOGENESIS IMPERFECTA, HYPOPLASTIC TYPE IA; Amelogenesis imperfecta local hypoplastic; Amelogenesis imperfecta, hypoplastic type; Amelogenesis imperfecta, type IA. Identifiers: Orphanet 88661, MedGen C4011403, MONDO:0007094, OMIM 104530.
Junctional epidermolysis bullosa. Identifiers: Orphanet 305, MedGen C0079301, MONDO:0017612.
Junctional epidermolysis bullosa, non-Herlitz type. Also called: Epidermolysis bullosa, junctional, non-herlitz type, somatic mosaic revertant; EPIDERMOLYSIS BULLOSA JUNCTIONALIS, DISENTIS TYPE; EPIDERMOLYSIS BULLOSA JUNCTIONALIS, NON-HERLITZ TYPE; EPIDERMOLYSIS BULLOSA JUNCTIONALIS, PROGRESSIVE; EPIDERMOLYSIS BULLOSA JUNCTIONALIS, SEVERE NONLETHAL; COL17A1-Related Junctional Epidermolysis Bullosa. Identifiers: Orphanet 251393, Orphanet 79402, Orphanet 79405, Orphanet 89840, MedGen C0268374, MONDO:0009180, OMIM 226650.
Junctional epidermolysis bullosa gravis of Herlitz. Also called: EPIDERMOLYSIS BULLOSA JUNCTIONALIS, HERLITZ TYPE; EPIDERMOLYSIS BULLOSA, JUNCTIONAL, HERLITZ-PEARSON TYPE; JEB-HERLITZ TYPE; Herlitz-type junctional epidermolysis bullosa; Epidermolysis Bullosa Letalis; EPIDERMOLYSIS BULLOSA, JUNCTIONAL 1B, SEVERE. Identifiers: Orphanet 79404, MedGen C0079683, MONDO:0009182, OMIM 226700.

Allele frequency attached by ClinVar (database versions not stated): 1000 Genomes Project 30x 0.09994; 1000 Genomes Project 0.10244; TOPMed 0.10920; gnomAD 0.11215; ESP Exome Variant Server 0.11915.
gnomAD v4.1: 231,067 of 1,612,870 alleles (14%); highest among the groups gnomAD compares: South Asian, 20%; 17,942 homozygotes.

Submissions 1 to 25 of 72:

Labcorp Genetics (formerly Invitae), Labcorp
Classification: Benign. Last evaluated: 2026-02-04. Review status: criteria provided, single submitter. Criteria: Invitae Variant Classification Sherloc (09022015). Collection method: clinical testing. Allele origin: germline.

Blueprint Genetics
Classification: Benign. Last evaluated: 2024-11-26. Review status: criteria provided, single submitter. Criteria: ACMG Guidelines, 2015. Collection method: clinical testing. Allele origin: germline.

Genome-Nilou Lab
Classification: Benign for Junctional epidermolysis bullosa, non-Herlitz type. Last evaluated: 2021-07-08. Review status: criteria provided, single submitter. Criteria: ACMG Guidelines, 2015. Collection method: clinical testing. Allele origin: germline. Affected: no.

Genome-Nilou Lab
Classification: Benign for Amelogenesis imperfecta type 1A. Last evaluated: 2021-07-08. Review status: criteria provided, single submitter. Criteria: ACMG Guidelines, 2015. Collection method: clinical testing. Allele origin: germline. Affected: no.

Genome-Nilou Lab
Classification: Benign for Junctional epidermolysis bullosa gravis of Herlitz. Last evaluated: 2021-07-08. Review status: criteria provided, single submitter. Criteria: ACMG Guidelines, 2015. Collection method: clinical testing. Allele origin: germline. Affected: no.

Women's Health and Genetics/Laboratory Corporation of America, LabCorp
Classification: Benign. Last evaluated: 2018-08-06. Review status: criteria provided, single submitter. Criteria: LabCorp Variant Classification Summary - May 2015. Collection method: clinical testing. Allele origin: germline.
Comment: Variant summary: LAMB3 c.2554A>T (p.Met852Leu) results in a conservative amino acid change in the encoded protein sequence. Five of five in-silico tools predict a benign effect of the variant on protein function. The variant allele was found at a frequency of 0.13 in 275034 control chromosomes in the gnomAD database, including 2706 homozygotes (gnomAD). The observed variant frequency is approximately 135-folds higher than the estimated maximal expected allele frequency for a pathogenic variant in LAMB3 causing Junctional Epidermolysis Bullosa phenotype (0.00093), strongly suggesting that the variant is benign. A ClinVar submission from another clinical diagnostic laboratory (evaluation after 2014) cites the variant as benign. Based on the evidence outlined above, the variant was classified as benign.

Illumina Laboratory Services, Illumina
Classification: Benign for Junctional epidermolysis bullosa. Last evaluated: 2018-01-13. Review status: criteria provided, single submitter. Criteria: ICSL Variant Classification Criteria 13 December 2019. Collection method: clinical testing. Allele origin: germline.
Comment: This variant was observed in the ICSL laboratory as part of a predisposition screen in an ostensibly healthy population. It had not been previously curated by ICSL or reported in the Human Gene Mutation Database (HGMD: prior to June 1st, 2018), and was therefore a candidate for classification through an automated scoring system. Utilizing variant allele frequency, disease prevalence and penetrance estimates, and inheritance mode, an automated score was calculated to assess if this variant is too frequent to cause the disease. Based on the score and internal cut-off values, a variant classified as benign is not then subjected to further curation. The score for this variant resulted in a classification of benign for this disease.

GeneDx
Classification: Benign. Last evaluated: 2015-03-03. Review status: criteria provided, single submitter. Criteria: GeneDx Variant Classification Process June 2021. Collection method: clinical testing. Allele origin: germline. Affected: yes.

Breakthrough Genomics
Classification: Benign. Review status: criteria provided, single submitter. Criteria: ACMG Guidelines, 2015. Collection method: not provided. Allele origin: germline. Inheritance: Autosomal recessive inheritance. Affected: yes.

PreventionGenetics, part of Exact Sciences
Classification: Benign. Review status: criteria provided, single submitter. Criteria: ACMG Guidelines, 2015. Collection method: clinical testing. Allele origin: germline.

Dr. Peter K. Rogan Lab, Western University
No classification provided (evidence only). Condition: Colorectal cancer. Review status: no classification provided. Collection method: in vitro. Allele origin: not applicable. Functional consequence: skipped exon, retained intron. Not counted in ClinVar's aggregate classification.

Dr. Peter K. Rogan Lab, Western University
No classification provided (evidence only). Condition: Malignant lymphoma, large B-cell, diffuse. Review status: no classification provided. Collection method: in vitro. Allele origin: not applicable. Functional consequence: skipped exon. Not counted in ClinVar's aggregate classification.

Dr. Peter K. Rogan Lab, Western University
No classification provided (evidence only). Condition: Adrenocortical carcinoma, hereditary. Review status: no classification provided. Collection method: in vitro. Allele origin: not applicable. Functional consequence: skipped exon. Not counted in ClinVar's aggregate classification.

Dr. Peter K. Rogan Lab, Western University
No classification provided (evidence only). Condition: Uterine carcinosarcoma. Review status: no classification provided. Collection method: in vitro. Allele origin: not applicable. Functional consequence: retained intron. Not counted in ClinVar's aggregate classification.

Dr. Peter K. Rogan Lab, Western University
No classification provided (evidence only). Condition: Uterine carcinosarcoma. Review status: no classification provided. Collection method: in vitro. Allele origin: not applicable. Functional consequence: retained intron. Not counted in ClinVar's aggregate classification.

Dr. Peter K. Rogan Lab, Western University
No classification provided (evidence only). Condition: Uterine carcinosarcoma. Review status: no classification provided. Collection method: in vitro. Allele origin: not applicable. Functional consequence: retained intron. Not counted in ClinVar's aggregate classification.

Dr. Peter K. Rogan Lab, Western University
No classification provided (evidence only). Condition: Nonpapillary renal cell carcinoma. Review status: no classification provided. Collection method: in vitro. Allele origin: not applicable. Functional consequence: retained intron. Not counted in ClinVar's aggregate classification.

Dr. Peter K. Rogan Lab, Western University
No classification provided (evidence only). Condition: Nonpapillary renal cell carcinoma. Review status: no classification provided. Collection method: in vitro. Allele origin: not applicable. Functional consequence: retained intron. Not counted in ClinVar's aggregate classification.

Dr. Peter K. Rogan Lab, Western University
No classification provided (evidence only). Condition: Nonpapillary renal cell carcinoma. Review status: no classification provided. Collection method: in vitro. Allele origin: not applicable. Functional consequence: retained intron. Not counted in ClinVar's aggregate classification.

Dr. Peter K. Rogan Lab, Western University
No classification provided (evidence only). Condition: Nonpapillary renal cell carcinoma. Review status: no classification provided. Collection method: in vitro. Allele origin: not applicable. Functional consequence: retained intron. Not counted in ClinVar's aggregate classification.

Dr. Peter K. Rogan Lab, Western University
No classification provided (evidence only). Condition: Nonpapillary renal cell carcinoma. Review status: no classification provided. Collection method: in vitro. Allele origin: not applicable. Functional consequence: retained intron. Not counted in ClinVar's aggregate classification.

Dr. Peter K. Rogan Lab, Western University
No classification provided (evidence only). Condition: Nonpapillary renal cell carcinoma. Review status: no classification provided. Collection method: in vitro. Allele origin: not applicable. Functional consequence: skipped exon. Not counted in ClinVar's aggregate classification.

Dr. Peter K. Rogan Lab, Western University
No classification provided (evidence only). Condition: Nonpapillary renal cell carcinoma. Review status: no classification provided. Collection method: in vitro. Allele origin: not applicable. Functional consequence: retained intron. Not counted in ClinVar's aggregate classification.

Dr. Peter K. Rogan Lab, Western University
No classification provided (evidence only). Condition: Nonpapillary renal cell carcinoma. Review status: no classification provided. Collection method: in vitro. Allele origin: not applicable. Functional consequence: retained intron. Not counted in ClinVar's aggregate classification.

Dr. Peter K. Rogan Lab, Western University
No classification provided (evidence only). Condition: Familial pancreatic carcinoma. Review status: no classification provided. Collection method: in vitro. Allele origin: not applicable. Functional consequence: retained intron. Not counted in ClinVar's aggregate classification.